The following is an entry in ClinVar:

ClinVar aggregate classification (germline): Likely benign (0 of 4 stars; one submission).

Conditions:
TEX14-related disorder. Also called: TEX14-related condition.

Allele frequency attached by ClinVar (database versions not stated): gnomAD exomes 0.00003; ExAC 0.00005; gnomAD 0.00023; TOPMed 0.00029; ESP Exome Variant Server 0.00031.
gnomAD v4.1: 83 of 1,614,160 alleles (0.0051%); highest among the groups gnomAD compares: African/African-American, 0.079%; no homozygotes.

Submission:

PreventionGenetics, part of Exact Sciences
Classification: Likely benign for TEX14-related condition. Last evaluated: 2019-12-06. Review status: no assertion criteria provided. Collection method: clinical testing. Allele origin: germline.
Comment: This variant is classified as likely benign based on ACMG/AMP sequence variant interpretation guidelines (Richards et al. 2015 PMID: 25741868, with internal and published modifications).

NM_031272.5(TEX14):c.1251C>T (p.Ala417=)

Gene: TEX14 (testis expressed 14, intercellular bridge forming factor; minus strand). Cytogenetic location: 17q22.
Variant type: single nucleotide variant.
Coding change: c.1251C>T on transcript NM_031272.5 (MANE Select); coding-DNA position 1251, C replaced by T.
Protein change: p.Ala417=; no amino-acid change (alanine 417 retained).
Molecular consequence: synonymous variant.
Genome position (GRCh38, 1-based): chr17:58,605,063, G>A on the plus strand (C>T on the coding strand, the complement: TEX14 is on the minus strand). VCF-style: chr17-58605063-G-A. GRCh37 (hg19) VCF-style: chr17-56682424-G-A.
Other names: c.1269C>T, p.Ala423= (NM_001201457.2); c.1251C>T, p.Ala417= (NM_198393.4).
Identifiers: ClinVar variation 3049233 (VCV003049233.2), dbSNP rs137946944, ClinGen allele CA8676434.
Genomic context (GRCh38, chr17:58,605,063, plus strand): 5'-AGAAAAGCTGTAGATGTCTGATTTCACTGTGGCTGCCTTCTGTAAGATCACTTCTGGTGC[G>A]GCCCAGTTGTATAGCTGCGTAGGAAGGGGCACTCGAGTCAGGTCCCTCTGTACACCTCTG-3'
Protein context (NP_112562.3, residues 407-427): VPLPTQLYNW[Ala417=]APEVILQKAA